The following is an entry in ClinVar:

ClinVar aggregate classification (germline): Uncertain significance (1 of 4 stars; one submission).

Conditions:
Immunodeficiency. Identifiers: MedGen C0021051, MONDO:0021094, HP:0002721.

gnomAD v4.1: 3 of 1,614,062 alleles (0.00019%); highest among the groups gnomAD compares: Non-Finnish European, 0.00025%; no homozygotes.

Submission:

Labcorp Genetics (formerly Invitae), Labcorp
Classification: Uncertain significance for Immunodeficiency. Last evaluated: 2025-07-18. Review status: criteria provided, single submitter. Criteria: Invitae Variant Classification Sherloc (09022015). Collection method: clinical testing. Allele origin: germline.
Comment: This sequence change replaces serine, which is neutral and polar, with proline, which is neutral and non-polar, at codon 1291 of the NFAT5 protein (p.Ser1291Pro). This variant is not present in population databases (gnomAD no frequency). This variant has not been reported in the literature in individuals affected with NFAT5-related conditions. An algorithm developed to predict the effect of missense changes on protein structure and function (PolyPhen-2) suggests that this variant is likely to be tolerated. In summary, the available evidence is currently insufficient to determine the role of this variant in disease. Therefore, it has been classified as a Variant of Uncertain Significance.

NM_138713.4(NFAT5):c.4153T>C (p.Ser1385Pro)

Gene: NFAT5 (nuclear factor of activated T cells 5; plus strand). Cytogenetic location: 16q22.1.
Variant type: single nucleotide variant.
Coding change: c.4153T>C on transcript NM_138713.4 (MANE Select); coding-DNA position 4153, T replaced by C.
Protein change: p.Ser1385Pro; replaces serine 1385 with proline.
Molecular consequence: missense variant.
Genome position (GRCh38, 1-based): chr16:69,693,978, T>C. VCF-style: chr16-69693978-T-C. GRCh37 (hg19) VCF-style: chr16-69727881-T-C.
Other names: c.4150T>C, p.Ser1384Pro (NM_001113178.3); c.3478T>C, p.Ser1160Pro (NM_001367709.1); c.4099T>C, p.Ser1367Pro (NM_006599.4); c.3871T>C, p.Ser1291Pro (NM_138714.4, NM_173214.3, NM_173215.3); short protein forms S1291P, S1160P, S1367P, S1384P, S1385P.
Identifiers: ClinVar variation 4770763 (VCV004770763.1).